The following is an entry in ClinVar:

ClinVar aggregate classification (germline): Uncertain significance (1 of 4 stars; one submission).

Conditions:
Anauxetic dysplasia. Identifiers: Orphanet 93347, MedGen C1846796, MONDO:0011773.

Allele frequency attached by ClinVar (database versions not stated): gnomAD 0.00001; gnomAD exomes 0.00001 and 0.00002; TOPMed 0.00002.
gnomAD v4.1: 10 of 700,456 alleles (0.0014%); highest among the groups gnomAD compares: African/African-American, 0.0035%; no homozygotes.

Submission:

Labcorp Genetics (formerly Invitae), Labcorp
Classification: Uncertain significance for Anauxetic dysplasia. Last evaluated: 2022-10-24. Review status: criteria provided, single submitter. Criteria: Invitae Variant Classification Sherloc (09022015). Collection method: clinical testing. Allele origin: germline.
Comment: This variant occurs in the RMRP gene, which encodes an RNA molecule that does not result in a protein product. This variant is present in population databases (rs553530605, gnomAD 0.005%). This variant has not been reported in the literature in individuals affected with RMRP-related conditions. ClinVar contains an entry for this variant (Variation ID: 1007569). Experimental studies and prediction algorithms are not available or were not evaluated, and the functional significance of this variant is currently unknown. In summary, the available evidence is currently insufficient to determine the role of this variant in disease. Therefore, it has been classified as a Variant of Uncertain Significance.

NC_000009.12:g.35657972C>T

Gene: RMRP (RNA component of mitochondrial RNA processing endoribonuclease; minus strand). Cytogenetic location: 9p13.3.
Variant type: single nucleotide variant.
Genome position: GRCh38 VCF-style: chr9-35657972-C-T. GRCh37 (hg19) VCF-style: chr9-35657969-C-T.
Identifiers: ClinVar variation 1007569 (VCV001007569.4), dbSNP rs553530605, ClinGen allele CA192745683.